The following is an entry in ClinVar:

ClinVar aggregate classification (germline): Likely benign (1 of 4 stars; one submission).

Conditions:
Amelogenesis imperfecta hypomaturation type 2A3. Also called: Amelogenesis imperfecta, type IIA3. Identifiers: Orphanet 88661, MedGen C2750771, MONDO:0013181, OMIM 613211. Disease mechanism: loss of function.

Allele frequency attached by ClinVar (database versions not stated): gnomAD exomes 0.00336; gnomAD 0.00478 and 0.00537; TOPMed 0.00936; 1000 Genomes Project 0.01178; 1000 Genomes Project 30x 0.01187.
gnomAD v4.1: 818 of 152,678 alleles (0.54%); highest among the groups gnomAD compares: Admixed American, 4%; 20 homozygotes.

Submission:

Illumina Laboratory Services, Illumina
Classification: Likely benign for Amelogenesis imperfecta hypomaturation type 2A3. Last evaluated: 2017-04-27. Review status: criteria provided, single submitter. Criteria: ICSL Variant Classification Criteria 13 December 2019. Collection method: clinical testing. Allele origin: germline.
Comment: This variant was observed as part of a predisposition screen in an ostensibly healthy population. A literature search was performed for the gene, cDNA change, and amino acid change (where applicable). No publications were found based on this search. Allele frequency data from public databases allowed determination this variant is unlikely to cause disease. Therefore, this variant is classified as likely benign.

NM_182758.4(WDR72):c.*647G>A

Gene: WDR72 (WD repeat domain 72; minus strand). Cytogenetic location: 15q21.3.
Variant type: single nucleotide variant.
Coding change: c.*647G>A on transcript NM_182758.4 (MANE Select); 647 bases downstream of the stop codon, G replaced by A.
Molecular consequence: 3 prime UTR variant. On other transcripts: non-coding transcript variant (3).
Genome position (GRCh38, 1-based): chr15:53,517,052, C>T on the plus strand (G>A on the coding strand, the complement: WDR72 is on the minus strand). VCF-style: chr15-53517052-C-T. GRCh37 (hg19) VCF-style: chr15-53809249-C-T.
Other names: c.*647G>A (NM_001277176.2).
Identifiers: ClinVar variation 887836 (VCV000887836.4), dbSNP rs78618140, ClinGen allele CA271074785.